The following is an entry in ClinVar:

NM_004655.4(AXIN2):c.1679A>G (p.Lys560Arg)

Gene: AXIN2 (axin 2; minus strand). Cytogenetic location: 17q24.1.
Variant type: single nucleotide variant.
Coding change: c.1679A>G on transcript NM_004655.4 (MANE Select); coding-DNA position 1679, A replaced by G.
Protein change: p.Lys560Arg; replaces lysine 560 with arginine.
Molecular consequence: missense variant.
Genome position (GRCh38, 1-based): chr17:65,537,357, T>C on the plus strand (A>G on the coding strand, the complement: AXIN2 is on the minus strand). VCF-style: chr17-65537357-T-C. GRCh37 (hg19) VCF-style: chr17-63533475-T-C.
Other names: c.1679A>G (LRG_296t1); c.1679A>G, p.Lys560Arg (NM_001363813.1); short protein forms K560R.
Identifiers: ClinVar variation 640251 (VCV000640251.10), dbSNP rs769741903, ClinGen allele CA400676852.
Genomic context (GRCh38, chr17:65,537,357, plus strand): 5'-GGACACTGCGGTCCGCCCGGCACTTACCCAAACTGCTCGCTGGGCATGGTTTCCGGAGCC[T>C]TGGAGTGGCTTTTGCATTTCGAGTAGCAGTAATACTCGCTGCCCCCAGGGCAGAAGCAGT-3'
Protein context (NP_004646.3, residues 550-570): YCYSKCKSHS[Lys560Arg]APETMPSEQF

ClinVar aggregate classification (germline): Uncertain significance. Review status: criteria provided, multiple submitters, no conflicts (2 of 4 stars). 2 submissions from 2 submitters: Uncertain significance (2). Last evaluated 2025-11-05.

Conditions:
Hereditary cancer-predisposing syndrome. Also called: Neoplastic Syndromes, Hereditary; Tumor predisposition; Hereditary Cancer Syndrome; Hereditary neoplastic syndrome. Identifiers: Orphanet 140162, MedGen C0027672, MeSH D009386, MONDO:0015356.
Oligodontia-cancer predisposition syndrome. Also called: TOOTH AGENESIS-COLORECTAL CANCER SYNDROME. Identifiers: Orphanet 300576, MedGen C1837750, MONDO:0012075, OMIM 608615. Disease mechanism: loss of function.

Submissions (2):

Ambry Genetics
Classification: Uncertain significance for Hereditary cancer-predisposing syndrome. Last evaluated: 2025-11-05. Review status: criteria provided, single submitter. Criteria: Ambry Variant Classification Scheme 2023. Collection method: clinical testing. Allele origin: germline.
Comment: The p.K560R variant (also known as c.1679A>G), located in coding exon 5 of the AXIN2 gene, results from an A to G substitution at nucleotide position 1679. The lysine at codon 560 is replaced by arginine, an amino acid with highly similar properties. This amino acid position is not well conserved in available vertebrate species, and arginine is the reference amino acid in other vertebrate species. In addition, this alteration is predicted to be tolerated by in silico analysis. Since supporting evidence is limited at this time, the clinical significance of this alteration remains unclear.

Labcorp Genetics (formerly Invitae), Labcorp
Classification: Uncertain significance for Oligodontia-cancer predisposition syndrome. Last evaluated: 2025-09-03. Review status: criteria provided, single submitter. Criteria: Invitae Variant Classification Sherloc (09022015). Collection method: clinical testing. Allele origin: germline.
Comment: This sequence change replaces lysine, which is basic and polar, with arginine, which is basic and polar, at codon 560 of the AXIN2 protein (p.Lys560Arg). This variant is not present in population databases (gnomAD no frequency). This variant has not been reported in the literature in individuals affected with AXIN2-related conditions. ClinVar contains an entry for this variant (Variation ID: 640251). Invitae Evidence Modeling of protein sequence and biophysical properties (such as structural, functional, and spatial information, amino acid conservation, physicochemical variation, residue mobility, and thermodynamic stability) indicates that this missense variant is not expected to disrupt AXIN2 protein function with a negative predictive value of 80%. In summary, the available evidence is currently insufficient to determine the role of this variant in disease. Therefore, it has been classified as a Variant of Uncertain Significance.